The following is an entry in ClinVar:

NM_000334.4(SCN4A):c.2260G>A (p.Val754Ile)

Genes: SCN4A (sodium voltage-gated channel alpha subunit 4; minus strand), GH-LCR (growth hormone locus control region; plus strand). Cytogenetic location: 17q23.3.
Variant type: single nucleotide variant.
Coding change: c.2260G>A on transcript NM_000334.4 (MANE Select); coding-DNA position 2260, G replaced by A.
Protein change: p.Val754Ile; replaces valine 754 with isoleucine.
Molecular consequence: missense variant.
Genome position (GRCh38, 1-based): chr17:63,957,278, C>T on the plus strand (G>A on the coding strand, the complement: SCN4A is on the minus strand). VCF-style: chr17-63957278-C-T. GRCh37 (hg19) VCF-style: chr17-62034638-C-T.
Other names: p.Val754Ile; short protein forms V754I.
Identifiers: ClinVar variation 949031 (VCV000949031.12), dbSNP rs747401713, ClinGen allele CA8709628.

ClinVar aggregate classification (germline): Uncertain significance. Review status: criteria provided, multiple submitters, no conflicts (2 of 4 stars). 4 submissions from 4 submitters: Uncertain significance (4). Last evaluated 2025-08-21.

Conditions:
Hyperkalemic periodic paralysis. Also called: Familial hyperkalemic periodic paralysis; Gamstorp disease. Identifiers: Orphanet 682, MedGen C0238357, MONDO:0008224, OMIM 170500, HP:0007215.

Allele frequency attached by ClinVar (database versions not stated): gnomAD exomes 0.00001; ExAC 0.00002; gnomAD 0.00003; TOPMed 0.00003.

Submissions (4):

Labcorp Genetics (formerly Invitae), Labcorp
Classification: Uncertain significance for Hyperkalemic periodic paralysis. Last evaluated: 2025-08-21. Review status: criteria provided, single submitter. Criteria: Invitae Variant Classification Sherloc (09022015). Collection method: clinical testing. Allele origin: germline.
Comment: This sequence change replaces valine, which is neutral and non-polar, with isoleucine, which is neutral and non-polar, at codon 754 of the SCN4A protein (p.Val754Ile). This variant is present in population databases (rs747401713, gnomAD 0.005%). This variant has not been reported in the literature in individuals affected with SCN4A-related conditions. ClinVar contains an entry for this variant (Variation ID: 949031). Invitae Evidence Modeling of protein sequence and biophysical properties (such as structural, functional, and spatial information, amino acid conservation, physicochemical variation, residue mobility, and thermodynamic stability) indicates that this missense variant is not expected to disrupt SCN4A protein function with a negative predictive value of 95%. In summary, the available evidence is currently insufficient to determine the role of this variant in disease. Therefore, it has been classified as a Variant of Uncertain Significance.

Mayo Clinic Laboratories, Mayo Clinic
Classification: Uncertain significance. Last evaluated: 2025-07-03. Review status: criteria provided, single submitter. Criteria: ACMG Guidelines, 2015. Collection method: clinical testing. Allele origin: germline. Observed: 1 variant allele.
Comment: PM2_supporting

Athena Diagnostics
Classification: Uncertain significance. Last evaluated: 2021-08-09. Review status: criteria provided, single submitter. Criteria: Athena Diagnostics Criteria. Collection method: clinical testing. Allele origin: unknown.

Revvity Omics, Revvity
Classification: Uncertain significance. Last evaluated: 2020-08-11. Review status: criteria provided, single submitter. Criteria: ACMG Guidelines, 2015. Collection method: clinical testing. Allele origin: germline.